The following is an entry in ClinVar:

NM_005585.5(SMAD6):c.654del (p.Gln218fs)

Gene: SMAD6 (SMAD family member 6; plus strand). Cytogenetic location: 15q22.31.
Variant type: Deletion.
Coding change: c.654del on transcript NM_005585.5 (MANE Select); coding-DNA position 654, one base deleted (G; older notation c.654delG).
Protein change: p.Gln218fs; shifts the reading frame from glutamine 218.
Molecular consequence: frameshift variant. On other transcripts: non-coding transcript variant (1).
Genome position (GRCh38, 1-based): chr15:66,703,912, G deleted. VCF-style (leftmost placement, unchanged base first): chr15-66703911-AG-A. GRCh37 (hg19) VCF-style: chr15-66996249-AG-A.
Other names: short protein forms Q218fs.
Identifiers: ClinVar variation 3252365 (VCV003252365.1), dbSNP rs2545312650.

ClinVar aggregate classification (germline): Likely pathogenic (1 of 4 stars; one submission).

Submission:

GeneDx
Classification: Likely pathogenic. Last evaluated: 2024-01-09. Review status: criteria provided, single submitter. Criteria: GeneDx Variant Classification Process June 2021. Collection method: clinical testing. Allele origin: germline. Affected: yes.
Comment: Frameshift variant predicted to result in protein truncation or nonsense mediated decay in a gene for which loss of function is a known mechanism of disease; Not observed at significant frequency in large population cohorts (gnomAD); Has not been previously published as pathogenic or benign to our knowledge